The following is an entry in ClinVar:

ClinVar aggregate classification (germline): Uncertain significance (1 of 4 stars; one submission).

Conditions:
Neuropathy, hereditary sensory and autonomic, type 2A (HSAN2A). Also called: HSAN IIA; ACROOSTEOLYSIS, GIACCAI TYPE; ACROOSTEOLYSIS, NEUROGENIC; MORVAN DISEASE; NEUROPATHY, CONGENITAL SENSORY; NEUROPATHY, HEREDITARY SENSORY RADICULAR, AUTOSOMAL RECESSIVE. Identifiers: Orphanet 970, MedGen C2752089, MONDO:0024309, OMIM 201300.
Generalized epilepsy with febrile seizures plus, type 7 (GEFSP7). Also called: GEFS+, TYPE 7. Identifiers: Orphanet 36387, MedGen C2751778, MONDO:0013470, OMIM 613863.

gnomAD v4.1: 6 of 1,522,730 alleles (0.00039%); highest among the groups gnomAD compares: South Asian, 0.0047%; no homozygotes.

Submission:

Labcorp Genetics (formerly Invitae), Labcorp
Classification: Uncertain significance for Neuropathy, hereditary sensory and autonomic, type 2A; Generalized epilepsy with febrile seizures plus, type 7. Last evaluated: 2024-12-30. Review status: criteria provided, single submitter. Criteria: Invitae Variant Classification Sherloc (09022015). Collection method: clinical testing. Allele origin: germline.
Comment: This sequence change affects codon 155 of the SCN9A mRNA. It is a 'silent' change, meaning that it does not change the encoded amino acid sequence of the SCN9A protein. The frequency data for this variant in the population databases is considered unreliable, as metrics indicate poor data quality at this position in the gnomAD database. This variant has not been reported in the literature in individuals affected with SCN9A-related conditions. Algorithms developed to predict the effect of sequence changes on RNA splicing suggest that this variant may disrupt the consensus splice site. In summary, the available evidence is currently insufficient to determine the role of this variant in disease. Therefore, it has been classified as a Variant of Uncertain Significance.

NM_001365536.1(SCN9A):c.465C>T (p.Val155=)

Gene: SCN9A (sodium voltage-gated channel alpha subunit 9; minus strand). Cytogenetic location: 2q24.3.
Variant type: single nucleotide variant.
Coding change: c.465C>T on transcript NM_001365536.1 (MANE Select); coding-DNA position 465, C replaced by T.
Protein change: p.Val155=; no amino-acid change (valine 155 retained).
Molecular consequence: synonymous variant.
Genome position (GRCh38, 1-based): chr2:166,306,512, G>A on the plus strand (C>T on the coding strand, the complement: SCN9A is on the minus strand). VCF-style: chr2-166306512-G-A. GRCh37 (hg19) VCF-style: chr2-167163022-G-A.
Other names: c.465C>T, p.Val155= (NM_002977.4).
Identifiers: ClinVar variation 3762183 (VCV003762183.2).